The following is an entry in ClinVar:

ClinVar aggregate classification (germline): Benign/Likely benign. Review status: criteria provided, multiple submitters, no conflicts (2 of 4 stars). 4 submissions from 4 submitters: Benign (2); Likely benign (1). 1 of the submissions does not count toward it. Last evaluated 2026-01-12.

Conditions:
CRB2-related disorder. Also called: CRB2-related disorders; CRB2-related condition.

Allele frequency attached by ClinVar (database versions not stated): ESP Exome Variant Server 0.00008; gnomAD 0.00014 and 0.00064; TOPMed 0.00017; gnomAD exomes 0.00196; ExAC 0.00216; 1000 Genomes Project 30x 0.00281; 1000 Genomes Project 0.00319.
gnomAD v4.1: 1,541 of 1,612,438 alleles (0.096%); highest among the groups gnomAD compares: South Asian, 1.4%; 19 homozygotes.

Submissions (4):

Labcorp Genetics (formerly Invitae), Labcorp
Classification: Benign. Last evaluated: 2026-01-12. Review status: criteria provided, single submitter. Criteria: Invitae Variant Classification Sherloc (09022015). Collection method: clinical testing. Allele origin: germline.

CeGaT Center for Human Genetics Tuebingen
Classification: Benign. Last evaluated: 2023-08-01. Review status: criteria provided, single submitter. Criteria: CeGaT Center For Human Genetics Tuebingen Variant Classification Criteria Version 2. Collection method: clinical testing. Allele origin: germline. Affected: yes. Observed: 2 variant alleles.
Comment: CRB2: BP4, BS1, BS2

GeneDx
Classification: Likely benign. Last evaluated: 2022-02-14. Review status: criteria provided, single submitter. Criteria: GeneDx Variant Classification Process June 2021. Collection method: clinical testing. Allele origin: germline. Affected: yes.
Comment: See Variant Classification Assertion Criteria.

PreventionGenetics, part of Exact Sciences
Classification: Benign for CRB2-related condition. Last evaluated: 2019-02-18. Review status: no assertion criteria provided. Collection method: clinical testing. Allele origin: germline. Not counted in ClinVar's aggregate classification.
Comment: This variant is classified as benign based on ACMG/AMP sequence variant interpretation guidelines (Richards et al. 2015 PMID: 25741868, with internal and published modifications).

NM_173689.7(CRB2):c.3466G>A (p.Ala1156Thr)

Gene: CRB2 (crumbs cell polarity complex component 2; plus strand). Cytogenetic location: 9q33.3.
Variant type: single nucleotide variant.
Coding change: c.3466G>A on transcript NM_173689.7 (MANE Select); coding-DNA position 3466, G replaced by A.
Protein change: p.Ala1156Thr; replaces alanine 1156 with threonine.
Molecular consequence: missense variant. On other transcripts: non-coding transcript variant (1).
Genome position (GRCh38, 1-based): chr9:123,374,655, G>A. VCF-style: chr9-123374655-G-A. GRCh37 (hg19) VCF-style: chr9-126136934-G-A.
Other names: short protein forms A1156T.
Identifiers: ClinVar variation 736526 (VCV000736526.34), dbSNP rs201603014, ClinGen allele CA5232488.